The following is an entry in ClinVar:

ClinVar aggregate classification (germline): Likely benign. Review status: criteria provided, multiple submitters, no conflicts (2 of 4 stars). 2 submissions from 2 submitters: Likely benign (2). Last evaluated 2026-04-01.

Allele frequency attached by ClinVar (database versions not stated): gnomAD 0.00046 and 0.00047; gnomAD exomes 0.00048 and 0.00098; TOPMed 0.00050; ESP Exome Variant Server 0.00069.
gnomAD v4.1: 1,444 of 1,563,658 alleles (0.092%); highest among the groups gnomAD compares: Non-Finnish European, 0.12%; no homozygotes.

Submissions (2):

CeGaT Center for Human Genetics Tuebingen
Classification: Likely benign. Last evaluated: 2026-04-01. Review status: criteria provided, single submitter. Criteria: CeGaT Center For Human Genetics Tuebingen Variant Classification Criteria Version 2. Collection method: clinical testing. Allele origin: germline. Affected: yes. Observed: 1 variant allele.
Comment: ATG7: BP4, BP7

Labcorp Genetics (formerly Invitae), Labcorp
Classification: Likely benign. Last evaluated: 2018-07-21. Review status: criteria provided, single submitter. Criteria: Invitae Variant Classification Sherloc (09022015). Collection method: clinical testing. Allele origin: germline.

NM_001349232.2(ATG7):c.873A>G (p.Glu291=)

Gene: ATG7 (autophagy related 7; plus strand). Cytogenetic location: 3p25.3.
Variant type: single nucleotide variant.
Coding change: c.873A>G on transcript NM_001349232.2 (MANE Select); coding-DNA position 873, A replaced by G.
Protein change: p.Glu291=; no amino-acid change (glutamic acid 291 retained).
Molecular consequence: synonymous variant. On other transcripts: intron variant (1).
Genome position (GRCh38, 1-based): chr3:11,333,077, A>G. VCF-style: chr3-11333077-A-G. GRCh37 (hg19) VCF-style: chr3-11374551-A-G.
Other names: c.873A>G, p.Glu291= (NM_001136031.3, NM_001349233.2, NM_001349234.2 and 3 more transcripts); c.756A>G, p.Glu252= (NM_001144912.2, NM_001349236.2); c.-45+1649A>G (NM_001349238.2).
Identifiers: ClinVar variation 726662 (VCV000726662.5), dbSNP rs142220561, ClinGen allele CA2255899.